The following is an entry in ClinVar:

ClinVar aggregate classification (germline): Uncertain significance (1 of 4 stars; one submission).

Allele frequency attached by ClinVar (database versions not stated): gnomAD 0.00001.
gnomAD v4.1: 10 of 1,611,606 alleles (0.00062%); highest among the groups gnomAD compares: South Asian, 0.0044%; no homozygotes.

Submission:

Labcorp Genetics (formerly Invitae), Labcorp
Classification: Uncertain significance. Last evaluated: 2024-03-23. Review status: criteria provided, single submitter. Criteria: Invitae Variant Classification Sherloc (09022015). Collection method: clinical testing. Allele origin: germline.
Comment: This sequence change replaces valine, which is neutral and non-polar, with methionine, which is neutral and non-polar, at codon 2406 of the HSPG2 protein (p.Val2406Met). The frequency data for this variant in the population databases is considered unreliable, as metrics indicate poor data quality at this position in the gnomAD database. This variant has not been reported in the literature in individuals affected with HSPG2-related conditions. ClinVar contains an entry for this variant (Variation ID: 1473467). Algorithms developed to predict the effect of missense changes on protein structure and function output the following: SIFT: "Not Available"; PolyPhen-2: "Benign"; Align-GVGD: "Not Available". The methionine amino acid residue is found in multiple mammalian species, which suggests that this missense change does not adversely affect protein function. In summary, the available evidence is currently insufficient to determine the role of this variant in disease. Therefore, it has been classified as a Variant of Uncertain Significance.

NM_005529.7(HSPG2):c.7216G>A (p.Val2406Met)

Gene: HSPG2 (heparan sulfate proteoglycan 2; minus strand). Cytogenetic location: 1p36.12.
Variant type: single nucleotide variant.
Coding change: c.7216G>A on transcript NM_005529.7 (MANE Select); coding-DNA position 7216, G replaced by A.
Protein change: p.Val2406Met; replaces valine 2406 with methionine.
Molecular consequence: missense variant.
Genome position (GRCh38, 1-based): chr1:21,850,441, C>T on the plus strand (G>A on the coding strand, the complement: HSPG2 is on the minus strand). VCF-style: chr1-21850441-C-T. GRCh37 (hg19) VCF-style: chr1-22176934-C-T.
Other names: c.7219G>A, p.Val2407Met (NM_001291860.2); short protein forms V2407M, V2406M.
Identifiers: ClinVar variation 1473467 (VCV001473467.6), dbSNP rs1364243687, ClinGen allele CA338925517.
Genomic context (GRCh38, chr1:21,850,441, plus strand): 5'-GCTCAATGGTGACCAGGACAGAGGCCTCTAGAGGCACGGAGCTGCCCAACACTCGGCACA[C>T]GTACTCGCCCGAGTCGGCGGGGGACGCTTGGTAGAGTCTCAGCAGGGAGCCGTGGGTCTG-3'
Protein context (NP_005520.4, residues 2396-2416): QASPADSGEY[Val2406Met]CRVLGSSVPL